The following is an entry in ClinVar:

ClinVar aggregate classification (germline): Uncertain significance (1 of 4 stars; one submission).

Submission:

Labcorp Genetics (formerly Invitae), Labcorp
Classification: Uncertain significance. Last evaluated: 2021-09-07. Review status: criteria provided, single submitter. Criteria: Invitae Variant Classification Sherloc (09022015). Collection method: clinical testing. Allele origin: germline.
Comment: In summary, the available evidence is currently insufficient to determine the role of this variant in disease. Therefore, it has been classified as a Variant of Uncertain Significance. Algorithms developed to predict the effect of missense changes on protein structure and function are either unavailable or do not agree on the potential impact of this missense change (SIFT: "Deleterious"; PolyPhen-2: "Benign"; Align-GVGD: "Class C35"). This variant has not been reported in the literature in individuals affected with PRPF8-related conditions. This variant is not present in population databases (ExAC no frequency). This sequence change replaces arginine with glutamine at codon 2023 of the PRPF8 protein (p.Arg2023Gln). The arginine residue is highly conserved and there is a small physicochemical difference between arginine and glutamine.

NM_006445.4(PRPF8):c.6068G>A (p.Arg2023Gln)

Gene: PRPF8 (pre-mRNA processing factor 8; minus strand). Cytogenetic location: 17p13.3.
Variant type: single nucleotide variant.
Coding change: c.6068G>A on transcript NM_006445.4 (MANE Select); coding-DNA position 6068, G replaced by A.
Protein change: p.Arg2023Gln; replaces arginine 2023 with glutamine.
Molecular consequence: missense variant.
Genome position (GRCh38, 1-based): chr17:1,653,936, C>T on the plus strand (G>A on the coding strand, the complement: PRPF8 is on the minus strand). VCF-style: chr17-1653936-C-T. GRCh37 (hg19) VCF-style: chr17-1557230-C-T.
Other names: short protein forms R2023Q.
Identifiers: ClinVar variation 1462548 (VCV001462548.6), dbSNP rs2151111382, ClinGen allele CA397567816.